The following is an entry in ClinVar:

ClinVar aggregate classification (germline): Uncertain significance (1 of 4 stars; one submission).

Submission:

Greenwood Genetic Center Diagnostic Laboratories, Greenwood Genetic Center
Classification: Uncertain significance. Last evaluated: 2025-01-28. Review status: criteria provided, single submitter. Criteria: ACMG Guidelines, 2015. Collection method: clinical testing. Allele origin: germline.
Comment: PM2, PP2

NM_014974.3(DIP2C):c.3640C>G (p.Pro1214Ala)

Gene: DIP2C (DIP2 acetate--CoA ligase C (putative); minus strand). Cytogenetic location: 10p15.3.
Variant type: single nucleotide variant.
Coding change: c.3640C>G on transcript NM_014974.3 (MANE Select); coding-DNA position 3640, C replaced by G.
Protein change: p.Pro1214Ala; replaces proline 1214 with alanine.
Molecular consequence: missense variant.
Genome position (GRCh38, 1-based): chr10:329,546, G>C on the plus strand (C>G on the coding strand, the complement: DIP2C is on the minus strand). VCF-style: chr10-329546-G-C. GRCh37 (hg19) VCF-style: chr10-375486-G-C.
Other names: short protein forms P1214A.
Identifiers: ClinVar variation 4851763 (VCV004851763.1).
Genomic context (GRCh38, chr10:329,546, plus strand): 5'-AGTAGGAGCAAAACGTGTCTCGGACTTTGTACTGACTCACGGCAAGAAGCCACAAGGCGG[G>C]GTTGGTTTCCAGCTCAGAGGGCGGGATCAGGATGGACTGGTGCCCAGAATACACACTGCA-3'
Protein context (NP_055789.1, residues 1204-1224): LIPPSELETN[Pro1214Ala]ALWLLAVSQY